The following is an entry in ClinVar:

ClinVar aggregate classification (germline): Uncertain significance (1 of 4 stars; one submission).

Submission:

Labcorp Genetics (formerly Invitae), Labcorp
Classification: Uncertain significance. Last evaluated: 2022-11-17. Review status: criteria provided, single submitter. Criteria: Invitae Variant Classification Sherloc (09022015). Collection method: clinical testing. Allele origin: germline.
Comment: In summary, the available evidence is currently insufficient to determine the role of this variant in disease. Therefore, it has been classified as a Variant of Uncertain Significance. Advanced modeling of protein sequence and biophysical properties (such as structural, functional, and spatial information, amino acid conservation, physicochemical variation, residue mobility, and thermodynamic stability) performed at Invitae indicates that this missense variant is not expected to disrupt FAT4 protein function. This variant has not been reported in the literature in individuals affected with FAT4-related conditions. This variant is not present in population databases (gnomAD no frequency). This sequence change replaces glycine, which is neutral and non-polar, with aspartic acid, which is acidic and polar, at codon 4937 of the FAT4 protein (p.Gly4937Asp).

NM_001291303.3(FAT4):c.14816G>A (p.Gly4939Asp)

Gene: FAT4 (FAT atypical cadherin 4; plus strand). Cytogenetic location: 4q28.1.
Variant type: single nucleotide variant.
Coding change: c.14816G>A on transcript NM_001291303.3 (MANE Select); coding-DNA position 14816, G replaced by A.
Protein change: p.Gly4939Asp; replaces glycine 4939 with aspartic acid.
Molecular consequence: missense variant.
Genome position (GRCh38, 1-based): chr4:125,491,632, G>A. VCF-style: chr4-125491632-G-A. GRCh37 (hg19) VCF-style: chr4-126412787-G-A.
Other names: c.14813G>A, p.Gly4938Asp (NM_001291285.3); c.14810G>A, p.Gly4937Asp (NM_024582.6); short protein forms G4938D, G4939D, G4937D.
Identifiers: ClinVar variation 2814964 (VCV002814964.3), dbSNP rs2126098865, ClinGen allele CA358143739.